The following is an entry in ClinVar:

NM_002474.3(MYH11):c.5296-49C>G

Genes: MYH11 (myosin heavy chain 11; minus strand), NDE1 (nudE neurodevelopment protein 1; plus strand). Cytogenetic location: 16p13.11.
Variant type: single nucleotide variant.
Coding change: c.5296-49C>G on transcript NM_002474.3 (MANE Select); 49 bases into the intron before coding-DNA position 5296, C replaced by G.
Molecular consequence: intron variant.
Genome position (GRCh38, 1-based): chr16:15,717,397, G>C on the plus strand (C>G on the coding strand, the complement: MYH11 is on the minus strand). VCF-style: chr16-15717397-G-C. GRCh37 (hg19) VCF-style: chr16-15811254-G-C.
Other names: c.948-6794G>C (NM_001143979.2, NM_017668.3); c.5296-49C>G (NM_022844.3); c.5317-49C>G (NM_001040114.2, NM_001040113.2).
Identifiers: ClinVar variation 671052 (VCV000671052.2), dbSNP rs76459240, ClinGen allele CA7921325.

ClinVar aggregate classification (germline): Benign. Review status: criteria provided, multiple submitters, no conflicts (2 of 4 stars). 2 submissions from 2 submitters: Benign (2). Last evaluated 2018-06-14.

Allele frequency attached by ClinVar (database versions not stated): gnomAD exomes 0.03073 and 0.03511; TOPMed 0.03733; ExAC 0.03734; gnomAD 0.03763 and 0.03837; ESP Exome Variant Server 0.04072; 1000 Genomes Project 30x 0.04341; 1000 Genomes Project 0.04493.
gnomAD v4.1: 50,252 of 1,586,820 alleles (3.2%); highest among the groups gnomAD compares: South Asian, 8.6%; 1,169 homozygotes.

Submissions (2):

GeneDx
Classification: Benign. Last evaluated: 2018-06-14. Review status: criteria provided, single submitter. Criteria: GeneDx Variant Classification (06012015). Collection method: clinical testing. Allele origin: germline. Affected: yes.
Comment: This variant is considered likely benign or benign based on one or more of the following criteria: it is a conservative change, it occurs at a poorly conserved position in the protein, it is predicted to be benign by multiple in silico algorithms, and/or has population frequency not consistent with disease.

Breakthrough Genomics
Classification: Benign. Review status: criteria provided, single submitter. Criteria: ACMG Guidelines, 2015. Collection method: not provided. Allele origin: germline. Inheritance: Autosomal recessive inheritance. Affected: yes.